The following is an entry in ClinVar:

ClinVar aggregate classification (germline): Uncertain significance. Review status: criteria provided, multiple submitters, no conflicts (2 of 4 stars). 3 submissions from 3 submitters: Uncertain significance (2). 1 of the submissions does not count toward it. Last evaluated 2024-05-01.

Conditions:
Inborn genetic diseases. Identifiers: MedGen C0950123, MeSH D030342.
KIDINS220-related disorder. Also called: KIDINS220-related condition.

Allele frequency attached by ClinVar (database versions not stated): gnomAD exomes 0.00001; TOPMed 0.00001.
gnomAD v4.1: 7 of 1,605,268 alleles (0.00044%); highest among the groups gnomAD compares: Admixed American, 0.0034%; no homozygotes.

Submissions (3):

Ambry Genetics
Classification: Uncertain significance for Inborn genetic diseases. Last evaluated: 2024-05-01. Review status: criteria provided, single submitter. Criteria: Ambry Variant Classification Scheme 2023. Collection method: clinical testing. Allele origin: germline.

Labcorp Genetics (formerly Invitae), Labcorp
Classification: Uncertain significance. Last evaluated: 2022-02-17. Review status: criteria provided, single submitter. Criteria: Invitae Variant Classification Sherloc (09022015). Collection method: clinical testing. Allele origin: germline.
Comment: This sequence change replaces isoleucine, which is neutral and non-polar, with threonine, which is neutral and polar, at codon 76 of the KIDINS220 protein (p.Ile76Thr). This variant is present in population databases (no rsID available, gnomAD 0.006%). This variant has not been reported in the literature in individuals affected with KIDINS220-related conditions. Algorithms developed to predict the effect of missense changes on protein structure and function (SIFT, PolyPhen-2, Align-GVGD) all suggest that this variant is likely to be disruptive. In summary, the available evidence is currently insufficient to determine the role of this variant in disease. Therefore, it has been classified as a Variant of Uncertain Significance.

PreventionGenetics, part of Exact Sciences
Classification: Uncertain significance for KIDINS220-related condition. Last evaluated: 2024-01-31. Review status: no assertion criteria provided. Collection method: clinical testing. Allele origin: germline. Not counted in ClinVar's aggregate classification.
Comment: The KIDINS220 c.227T>C variant is predicted to result in the amino acid substitution p.Ile76Thr. To our knowledge, this variant has not been reported in the literature. This variant is reported in 0.0060% of alleles in individuals of Latino descent in gnomAD. At this time, the clinical significance of this variant is uncertain due to the absence of conclusive functional and genetic evidence.

NM_020738.4(KIDINS220):c.227T>C (p.Ile76Thr)

Gene: KIDINS220 (kinase D interacting substrate 220; minus strand). Cytogenetic location: 2p25.1.
Variant type: single nucleotide variant.
Coding change: c.227T>C on transcript NM_020738.4 (MANE Select); coding-DNA position 227, T replaced by C.
Protein change: p.Ile76Thr; replaces isoleucine 76 with threonine.
Molecular consequence: missense variant. On other transcripts: non-coding transcript variant (2).
Genome position (GRCh38, 1-based): chr2:8,817,697, A>G on the plus strand (T>C on the coding strand, the complement: KIDINS220 is on the minus strand). VCF-style: chr2-8817697-A-G. GRCh37 (hg19) VCF-style: chr2-8957827-A-G.
Other names: c.227T>C, p.Ile76Thr (NM_001348729.2, NM_001348731.2, NM_001348732.2 and 9 more transcripts); c.101T>C, p.Ile34Thr (NM_001348736.2); c.227T>C (NM_020738.2); short protein forms I34T, I76T.
Identifiers: ClinVar variation 2413335 (VCV002413335.8), dbSNP rs1302595828, ClinGen allele CA345774715.